The following is an entry in ClinVar:

ClinVar aggregate classification (germline): Benign/Likely benign. Review status: criteria provided, multiple submitters, no conflicts (2 of 4 stars). 3 submissions from 3 submitters: Benign (2); Likely benign (1). Last evaluated 2025-09-08.

Conditions:
Cone-rod dystrophy 7 (CORD7). Identifiers: Orphanet 1872, MedGen C1863634, MONDO:0011355, OMIM 603649.

Allele frequency attached by ClinVar (database versions not stated): gnomAD below 0.00001 and 0.00009; TOPMed 0.00001; gnomAD exomes 0.00014 and 0.00031; ExAC 0.00036; 1000 Genomes Project 30x 0.00109; 1000 Genomes Project 0.00140.
gnomAD v4.1: 226 of 1,611,564 alleles (0.014%); highest among the groups gnomAD compares: South Asian, 0.23%; 2 homozygotes.

Submissions (3):

Labcorp Genetics (formerly Invitae), Labcorp
Classification: Benign. Last evaluated: 2025-09-08. Review status: criteria provided, single submitter. Criteria: Invitae Variant Classification Sherloc (09022015). Collection method: clinical testing. Allele origin: germline.

Blueprint Genetics
Classification: Likely benign. Last evaluated: 2024-09-23. Review status: criteria provided, single submitter. Criteria: ACMG Guidelines, 2015. Collection method: clinical testing. Allele origin: germline.

Illumina Laboratory Services, Illumina
Classification: Benign for Cone-rod dystrophy 7. Last evaluated: 2018-01-12. Review status: criteria provided, single submitter. Criteria: ICSL Variant Classification Criteria 13 December 2019. Collection method: clinical testing. Allele origin: germline.
Comment: This variant was observed in the ICSL laboratory as part of a predisposition screen in an ostensibly healthy population. It had not been previously curated by ICSL or reported in the Human Gene Mutation Database (HGMD: prior to June 1st, 2018), and was therefore a candidate for classification through an automated scoring system. Utilizing variant allele frequency, disease prevalence and penetrance estimates, and inheritance mode, an automated score was calculated to assess if this variant is too frequent to cause the disease. Based on the score and internal cut-off values, a variant classified as benign is not then subjected to further curation. The score for this variant resulted in a classification of benign for this disease.

NM_014989.7(RIMS1):c.459+12A>G

Gene: RIMS1 (regulating synaptic membrane exocytosis 1; plus strand). Cytogenetic location: 6q13.
Variant type: single nucleotide variant.
Coding change: c.459+12A>G on transcript NM_014989.7 (MANE Select); 12 bases into the intron after coding-DNA position 459, A replaced by G.
Molecular consequence: intron variant.
Genome position (GRCh38, 1-based): chr6:72,097,174, A>G. VCF-style: chr6-72097174-A-G. GRCh37 (hg19) VCF-style: chr6-72806877-A-G.
Other names: c.459+12A>G (NM_001350413.1); c.456+12A>G (NM_001350411.1); c.378+12A>G (NM_001350412.1).
Identifiers: ClinVar variation 908251 (VCV000908251.13), dbSNP rs552585116, ClinGen allele CA3885485.